The following is an entry in ClinVar:

NM_004168.4(SDHA):c.1559A>G (p.Gln520Arg)

Gene: SDHA (succinate dehydrogenase complex flavoprotein subunit A; plus strand). Cytogenetic location: 5p15.33.
Variant type: single nucleotide variant.
Coding change: c.1559A>G on transcript NM_004168.4 (MANE Select); coding-DNA position 1559, A replaced by G.
Protein change: p.Gln520Arg; replaces glutamine 520 with arginine.
Molecular consequence: missense variant. On other transcripts: intron variant (1).
Genome position (GRCh38, 1-based): chr5:250,999, A>G. VCF-style: chr5-250999-A-G. GRCh37 (hg19) VCF-style: chr5-251114-A-G.
Other names: c.1415A>G, p.Gln472Arg (NM_001294332.2); c.1552-3394A>G (NM_001330758.2); short protein forms Q472R, Q520R.
Identifiers: ClinVar variation 3761512 (VCV003761512.2).

ClinVar aggregate classification (germline): Uncertain significance (1 of 4 stars; one submission).

Conditions:
Mitochondrial complex II deficiency, nuclear type 1. Also called: SUCCINATE CoQ REDUCTASE DEFICIENCY. Identifiers: Orphanet 3208, MedGen C5700310, MONDO:0100294, OMIM 252011.
Pheochromocytoma/paraganglioma syndrome 5. Also called: Paragangliomas 5; SDHA-Related Hereditary Paraganglioma-Pheochromocytoma Syndrome. Identifiers: Orphanet 29072, MedGen C3279992, MONDO:0013602, OMIM 614165.

gnomAD v4.1: 1 of 1,611,992 alleles (0.000062%); highest among the groups gnomAD compares: South Asian, 0.0011%; no homozygotes.

Submission:

Labcorp Genetics (formerly Invitae), Labcorp
Classification: Uncertain significance for Pheochromocytoma/paraganglioma syndrome 5; Mitochondrial complex II deficiency, nuclear type 1. Last evaluated: 2024-07-16. Review status: criteria provided, single submitter. Criteria: Invitae Variant Classification Sherloc (09022015). Collection method: clinical testing. Allele origin: germline.
Comment: This sequence change replaces glutamine, which is neutral and polar, with arginine, which is basic and polar, at codon 520 of the SDHA protein (p.Gln520Arg). This variant is not present in population databases (gnomAD no frequency). This variant has not been reported in the literature in individuals affected with SDHA-related conditions. Advanced modeling of protein sequence and biophysical properties (such as structural, functional, and spatial information, amino acid conservation, physicochemical variation, residue mobility, and thermodynamic stability) has been performed at Invitae for this missense variant, however the output from this modeling did not meet the statistical confidence thresholds required to predict the impact of this variant on SDHA protein function. In summary, the available evidence is currently insufficient to determine the role of this variant in disease. Therefore, it has been classified as a Variant of Uncertain Significance.